The following is an entry in ClinVar:

NM_001008537.3(NEXMIF):c.274A>G (p.Asn92Asp)

Gene: NEXMIF (neurite extension and migration factor; minus strand). Cytogenetic location: Xq13.3.
Variant type: single nucleotide variant.
Coding change: c.274A>G on transcript NM_001008537.3 (MANE Select); coding-DNA position 274, A replaced by G.
Protein change: p.Asn92Asp; replaces asparagine 92 with aspartic acid.
Molecular consequence: missense variant.
Genome position (GRCh38, 1-based): chrX:74,744,283, T>C on the plus strand (A>G on the coding strand, the complement: NEXMIF is on the minus strand). VCF-style: chrX-74744283-T-C. GRCh37 (hg19) VCF-style: chrX-73964118-T-C.
Other names: c.274A>G (NM_001008537.2); short protein forms N92D.
Identifiers: ClinVar variation 1429583 (VCV001429583.7), dbSNP rs750628228, ClinGen allele CA413673949.

ClinVar aggregate classification (germline): Uncertain significance. Review status: criteria provided, multiple submitters, no conflicts (2 of 4 stars). 2 submissions from 2 submitters: Uncertain significance (2). Last evaluated 2025-10-13.

Allele frequency attached by ClinVar (database versions not stated): gnomAD exomes below 0.00001; TOPMed 0.00001.
gnomAD v4.1: 2 of 1,211,411 alleles (0.00017%); highest among the groups gnomAD compares: African/African-American, 0.0017%; no homozygotes.

Submissions (2):

Labcorp Genetics (formerly Invitae), Labcorp
Classification: Uncertain significance. Last evaluated: 2025-10-13. Review status: criteria provided, single submitter. Criteria: Invitae Variant Classification Sherloc (09022015). Collection method: clinical testing. Allele origin: germline.
Comment: This sequence change replaces asparagine, which is neutral and polar, with aspartic acid, which is acidic and polar, at codon 92 of the NEXMIF protein (p.Asn92Asp). This variant is present in population databases (no rsID available, gnomAD 0.02%). This variant has not been reported in the literature in individuals affected with NEXMIF-related conditions. ClinVar contains an entry for this variant (Variation ID: 1429583). An algorithm developed to predict the effect of missense changes on protein structure and function outputs the following: PolyPhen-2: "Benign". The aspartic acid amino acid residue is found in multiple mammalian species, which suggests that this missense change does not adversely affect protein function. In summary, the available evidence is currently insufficient to determine the role of this variant in disease. Therefore, it has been classified as a Variant of Uncertain Significance.

Ambry Genetics
Classification: Uncertain significance. Last evaluated: 2025-04-18. Review status: criteria provided, single submitter. Criteria: Ambry Variant Classification Scheme 2023. Collection method: clinical testing. Allele origin: germline.